The following is an entry in ClinVar:

NM_201253.3(CRB1):c.3299T>G (p.Ile1100Arg)

Gene: CRB1 (crumbs cell polarity complex component 1; plus strand). Cytogenetic location: 1q31.3.
Variant type: single nucleotide variant.
Coding change: c.3299T>G on transcript NM_201253.3 (MANE Select); coding-DNA position 3299, T replaced by G.
Protein change: p.Ile1100Arg; replaces isoleucine 1100 with arginine.
Molecular consequence: missense variant. On other transcripts: non-coding transcript variant (2), intron variant (1).
Genome position (GRCh38, 1-based): chr1:197,435,162, T>G. VCF-style: chr1-197435162-T-G. GRCh37 (hg19) VCF-style: chr1-197404292-T-G.
Other names: c.2963T>G, p.Ile988Arg (NM_001193640.2); c.3227T>G, p.Ile1076Arg (NM_001257965.2); c.2129-438T>G (NM_001257966.2); short protein forms I1100R, I988R, I1076R.
Identifiers: ClinVar variation 5734 (VCV000005734.3), dbSNP rs62635659, ClinGen allele CA117707.

ClinVar aggregate classification (germline): Conflicting classifications of pathogenicity. Review status: criteria provided, conflicting classifications (1 of 4 stars). 4 submissions from 4 submitters: Likely pathogenic (1); Uncertain significance (1). 2 of the submissions do not count toward it. Last evaluated 2025-07-23.

Conditions:
Retinitis pigmentosa 12 (RP12). Also called: RP WITH OR WITHOUT PPRPE; RP WITH OR WITHOUT PRESERVED PARAARTERIOLE RETINAL PIGMENT EPITHELIUM; RETINITIS PIGMENTOSA WITH OR WITHOUT PARAARTERIOLAR PRESERVATION OF RETINAL PIGMENT EPITHELIUM. Identifiers: Orphanet 791, MedGen C1838647, MONDO:0010818, OMIM 600105.
Leber congenital amaurosis 8 (LCA8). Identifiers: Orphanet 65, MedGen C3151202, MONDO:0013453, OMIM 613835.
Pigmented paravenous retinochoroidal atrophy. Identifiers: Orphanet 251295, MedGen C1868310, MONDO:0008246, OMIM 172870.

Submissions (4):

Labcorp Genetics (formerly Invitae), Labcorp
Classification: Uncertain significance for Leber congenital amaurosis 8; Retinitis pigmentosa 12. Last evaluated: 2025-07-23. Review status: criteria provided, single submitter. Criteria: Invitae Variant Classification Sherloc (09022015). Collection method: clinical testing. Allele origin: germline.
Comment: This sequence change replaces isoleucine, which is neutral and non-polar, with arginine, which is basic and polar, at codon 1100 of the CRB1 protein (p.Ile1100Arg). This variant is not present in population databases (gnomAD no frequency). This missense change has been observed in individual(s) with Leber congenital amaurosis (PMID: 11389483). ClinVar contains an entry for this variant (Variation ID: 5734). Invitae Evidence Modeling of protein sequence and biophysical properties (such as structural, functional, and spatial information, amino acid conservation, physicochemical variation, residue mobility, and thermodynamic stability) indicates that this missense variant is expected to disrupt CRB1 protein function with a positive predictive value of 80%. This variant disrupts the p.Ile1100 amino acid residue in CRB1. Other variant(s) that disrupt this residue have been determined to be pathogenic (PMID: 12843338, 23379534). This suggests that this residue is clinically significant, and that variants that disrupt this residue are likely to be disease-causing. In summary, the available evidence is currently insufficient to determine the role of this variant in disease. Therefore, it has been classified as a Variant of Uncertain Significance.

Fulgent Genetics
Classification: Likely pathogenic for Pigmented paravenous retinochoroidal atrophy; Retinitis pigmentosa 12; Leber congenital amaurosis 8. Last evaluated: 2021-12-11. Review status: criteria provided, single submitter. Criteria: ACMG Guidelines, 2015. Collection method: clinical testing. Allele origin: unknown.

OMIM
Classification: Pathogenic for LEBER CONGENITAL AMAUROSIS 8. Last evaluated: 2001-07-01. Review status: no assertion criteria provided. Collection method: literature only. Allele origin: germline. Not counted in ClinVar's aggregate classification.

Retina International
No classification provided. Review status: no classification provided. Collection method: not provided. Allele origin: not provided. Not counted in ClinVar's aggregate classification.

Literature cited by the submitters: PubMed 11389483 (cited by Labcorp Genetics (formerly Invitae), Labcorp and OMIM); PubMed 12843338 (cited by Labcorp Genetics (formerly Invitae), Labcorp); PubMed 23379534 (cited by Labcorp Genetics (formerly Invitae), Labcorp).